The following is an entry in ClinVar:

ClinVar aggregate classification (germline): Uncertain significance (1 of 4 stars; one submission).

Allele frequency attached by ClinVar (database versions not stated): gnomAD exomes below 0.00001.
gnomAD v4.1: 2 of 1,211,312 alleles (0.00017%); highest among the groups gnomAD compares: Non-Finnish European, 0.00022%; no homozygotes.

Submission:

GeneDx
Classification: Uncertain significance. Last evaluated: 2026-01-29. Review status: criteria provided, single submitter. Criteria: GeneDx Variant Classification Process June 2021. Collection method: clinical testing. Allele origin: germline. Affected: yes.
Comment: Not observed at significant frequency in large population cohorts (gnomAD); In silico analysis supports that this missense variant does not alter protein structure/function; Has not been previously published as pathogenic or benign to our knowledge

NM_001830.4(CLCN4):c.271G>A (p.Ala91Thr)

Gene: CLCN4 (chloride voltage-gated channel 4; plus strand). Cytogenetic location: Xp22.2.
Variant type: single nucleotide variant.
Coding change: c.271G>A on transcript NM_001830.4 (MANE Select); coding-DNA position 271, G replaced by A.
Protein change: p.Ala91Thr; replaces alanine 91 with threonine.
Molecular consequence: missense variant. On other transcripts: 5 prime UTR variant (1).
Genome position (GRCh38, 1-based): chrX:10,194,937, G>A. VCF-style: chrX-10194937-G-A. GRCh37 (hg19) VCF-style: chrX-10162977-G-A.
Other names: c.-12G>A (NM_001256944.2); short protein forms A91T.
Identifiers: ClinVar variation 1704151 (VCV001704151.3), dbSNP rs2518877813, ClinGen allele CA412034042.